The following is an entry in ClinVar:

NM_003079.5(SMARCE1):c.767A>C (p.Lys256Thr)

Gene: SMARCE1 (SWI/SNF related BAF chromatin remodeling complex subunit E1; minus strand). Cytogenetic location: 17q21.2.
Variant type: single nucleotide variant.
Coding change: c.767A>C on transcript NM_003079.5 (MANE Select); coding-DNA position 767, A replaced by C.
Protein change: p.Lys256Thr; replaces lysine 256 with threonine.
Molecular consequence: missense variant.
Genome position (GRCh38, 1-based): chr17:40,631,641, T>G on the plus strand (A>C on the coding strand, the complement: SMARCE1 is on the minus strand). VCF-style: chr17-40631641-T-G. GRCh37 (hg19) VCF-style: chr17-38787893-T-G.
Other names: short protein forms K256T.
Identifiers: ClinVar variation 532245 (VCV000532245.11), dbSNP rs542193901, ClinGen allele CA399364392.

ClinVar aggregate classification (germline): Uncertain significance. Review status: criteria provided, multiple submitters, no conflicts (2 of 4 stars). 2 submissions from 2 submitters: Uncertain significance (2). Last evaluated 2025-06-15.

Conditions:
Hereditary cancer-predisposing syndrome. Also called: Hereditary neoplastic syndrome; Neoplastic Syndromes, Hereditary; Tumor predisposition; Hereditary Cancer Syndrome. Identifiers: Orphanet 140162, MedGen C0027672, MeSH D009386, MONDO:0015356.
Familial meningioma. Also called: Meningioma, familial, susceptibility to. Identifiers: Orphanet 263662, MedGen C3551915, MONDO:0011789, OMIM 607174.

Allele frequency attached by ClinVar (database versions not stated): TOPMed 0.00001.
gnomAD v4.1: 1 of 1,611,404 alleles (0.000062%); no homozygotes.

Submissions (2):

Labcorp Genetics (formerly Invitae), Labcorp
Classification: Uncertain significance for Familial meningioma. Last evaluated: 2025-06-15. Review status: criteria provided, single submitter. Criteria: Invitae Variant Classification Sherloc (09022015). Collection method: clinical testing. Allele origin: germline.
Comment: This sequence change replaces lysine, which is basic and polar, with threonine, which is neutral and polar, at codon 256 of the SMARCE1 protein (p.Lys256Thr). This variant is not present in population databases (gnomAD no frequency). This variant has not been reported in the literature in individuals affected with SMARCE1-related conditions. ClinVar contains an entry for this variant (Variation ID: 532245). Invitae Evidence Modeling of protein sequence and biophysical properties (such as structural, functional, and spatial information, amino acid conservation, physicochemical variation, residue mobility, and thermodynamic stability) indicates that this missense variant is expected to disrupt SMARCE1 protein function with a positive predictive value of 80%. In summary, the available evidence is currently insufficient to determine the role of this variant in disease. Therefore, it has been classified as a Variant of Uncertain Significance.

Ambry Genetics
Classification: Uncertain significance for Hereditary cancer-predisposing syndrome. Last evaluated: 2021-12-03. Review status: criteria provided, single submitter. Criteria: Ambry Variant Classification Scheme 2023. Collection method: clinical testing. Allele origin: germline.
Comment: The p.K256T variant (also known as c.767A>C), located in coding exon 8 of the SMARCE1 gene, results from an A to C substitution at nucleotide position 767. The lysine at codon 256 is replaced by threonine, an amino acid with similar properties. This amino acid position is highly conserved in available vertebrate species. In addition, this alteration is predicted to be deleterious by in silico analysis. Missense and in-frame variants in SMARCE1 are known to cause neurodevelopmental disorders; however, such associations with increased risk of meningiomas are exceedingly rare (Kosho T et al. Am J Med Genet C Semin Med Genet. 2014 Sep;166C(3):262-75; Smith JM et al. Nat Genet. 2013 Mar;45(3):295-8). Since supporting evidence is limited at this time, the clinical significance of this alteration remains unclear.